The following is an entry in ClinVar:

NM_001099287.2(NIPAL4):c.272G>A (p.Arg91Gln)

Gene: NIPAL4 (NIPA like domain containing 4; plus strand). Cytogenetic location: 5q33.3.
Variant type: single nucleotide variant.
Coding change: c.272G>A on transcript NM_001099287.2 (MANE Select); coding-DNA position 272, G replaced by A.
Protein change: p.Arg91Gln; replaces arginine 91 with glutamine.
Molecular consequence: missense variant.
Genome position (GRCh38, 1-based): chr5:157,463,328, G>A. VCF-style: chr5-157463328-G-A. GRCh37 (hg19) VCF-style: chr5-156890336-G-A.
Other names: c.272G>A, p.Arg91Gln (NM_001172292.2); c.458G>A (NM_001099287.1); short protein forms R91Q.
Identifiers: ClinVar variation 3768346 (VCV003768346.2).

ClinVar aggregate classification (germline): Conflicting classifications of pathogenicity. Review status: criteria provided, conflicting classifications (1 of 4 stars). 2 submissions from 2 submitters: Likely pathogenic (1); Uncertain significance (1). Last evaluated 2026-02-09.

Submissions (2):

GeneDx
Classification: Likely pathogenic. Last evaluated: 2026-02-09. Review status: criteria provided, single submitter. Criteria: GeneDx Variant Classification Process June 2021. Collection method: clinical testing. Allele origin: germline.
Comment: In silico analysis supports that this missense variant has a deleterious effect on protein structure/function; Not observed at significant frequency in large population cohorts (gnomAD); This variant is associated with the following publications: (PMID: 31347739, 31883158, 27868142, 31256066)

Women's Health and Genetics/Laboratory Corporation of America, LabCorp
Classification: Uncertain significance. Last evaluated: 2024-12-02. Review status: criteria provided, single submitter. Criteria: LabCorp Variant Classification Summary - May 2015. Collection method: clinical testing. Allele origin: germline.
Comment: Variant summary: NIPAL4 c.272G>A (p.Arg91Gln) results in a conservative amino acid change in the encoded protein sequence. Two of three in-silico tools predict a damaging effect of the variant on protein function. The variant allele was found at a frequency of 4.1e-06 in 242968 control chromosomes. c.272G>A has been reported in the literature in individuals affected with Lamellar Ichthyosis (Kusakabe_2017). These data indicate that the variant may be associated with disease. To our knowledge, no experimental evidence demonstrating an impact on protein function has been reported. The following publications have been ascertained in the context of this evaluation (PMID: 31883158, 31347739, 27868142). No submitters have cited clinical-significance assessments for this variant to ClinVar. Based on the evidence outlined above, the variant was classified as VUS-possibly pathogenic.

Literature cited by the submitters: PubMed 31347739 (cited by Women's Health and Genetics/Laboratory Corporation of America, LabCorp); PubMed 31883158 (cited by Women's Health and Genetics/Laboratory Corporation of America, LabCorp); PubMed 27868142 (cited by Women's Health and Genetics/Laboratory Corporation of America, LabCorp).